The following is an entry in ClinVar:

ClinVar aggregate classification (germline): Uncertain significance (1 of 4 stars; one submission).

Conditions:
Inborn genetic diseases. Identifiers: MedGen C0950123, MeSH D030342.

Submission:

Ambry Genetics
Classification: Uncertain significance for Inborn genetic diseases. Last evaluated: 2025-01-05. Review status: criteria provided, single submitter. Criteria: Ambry Variant Classification Scheme 2023. Collection method: clinical testing. Allele origin: germline.
Comment: The p.I1630L variant (also known as c.4888A>C), located in coding exon 20 of the FANCM gene, results from an A to C substitution at nucleotide position 4888. The isoleucine at codon 1630 is replaced by leucine, an amino acid with highly similar properties. This amino acid position is conserved. In addition, this alteration is predicted to be tolerated by in silico analysis. Based on the available evidence, the clinical significance of this variant remains unclear.

NM_020937.4(FANCM):c.4888A>C (p.Ile1630Leu)

Gene: FANCM (FA complementation group M; plus strand). Cytogenetic location: 14q21.2.
Variant type: single nucleotide variant.
Coding change: c.4888A>C on transcript NM_020937.4 (MANE Select); coding-DNA position 4888, A replaced by C.
Protein change: p.Ile1630Leu; replaces isoleucine 1630 with leucine.
Molecular consequence: missense variant.
Genome position (GRCh38, 1-based): chr14:45,188,910, A>C. VCF-style: chr14-45188910-A-C. GRCh37 (hg19) VCF-style: chr14-45658113-A-C.
Other names: c.4810A>C, p.Ile1604Leu (NM_001308133.2); short protein forms I1604L, I1630L.
Identifiers: ClinVar variation 3848583 (VCV003848583.1).